The following is an entry in ClinVar:

ClinVar aggregate classification (germline): Uncertain significance (1 of 4 stars; one submission).

Conditions:
Ataxia-telangiectasia syndrome (AT). Also called: LOUIS-BAR SYNDROME; Cerebello-oculocutaneous telangiectasia; Immunodeficiency with ataxia telangiectasia; Ataxia telangiectasia (A-T); Ataxia-telangiectasia, complementation group D; AT, COMPLEMENTATION GROUP C. Identifiers: Orphanet 100, MedGen C0004135, MONDO:0008840, OMIM 208900.

Submission:

Labcorp Genetics (formerly Invitae), Labcorp
Classification: Uncertain significance for Ataxia-telangiectasia syndrome. Last evaluated: 2023-12-03. Review status: criteria provided, single submitter. Criteria: Invitae Variant Classification Sherloc (09022015). Collection method: clinical testing. Allele origin: germline.
Comment: This sequence change replaces isoleucine, which is neutral and non-polar, with methionine, which is neutral and non-polar, at codon 2064 of the ATM protein (p.Ile2064Met). This variant is not present in population databases (gnomAD no frequency). This variant has not been reported in the literature in individuals affected with ATM-related conditions. An algorithm developed to predict the effect of missense changes on protein structure and function (PolyPhen-2) suggests that this variant is likely to be disruptive. In summary, the available evidence is currently insufficient to determine the role of this variant in disease. Therefore, it has been classified as a Variant of Uncertain Significance.

NM_000051.4(ATM):c.6192C>G (p.Ile2064Met)

Genes: ATM (ATM serine/threonine kinase; plus strand), C11orf65 (chromosome 11 open reading frame 65; minus strand). Cytogenetic location: 11q22.3.
Variant type: single nucleotide variant.
Coding change: c.6192C>G on transcript NM_000051.4 (MANE Select); coding-DNA position 6192, C replaced by G.
Protein change: p.Ile2064Met; replaces isoleucine 2064 with methionine.
Molecular consequence: missense variant. On other transcripts: intron variant (2).
Genome position (GRCh38, 1-based): chr11:108,316,107, C>G. VCF-style: chr11-108316107-C-G. GRCh37 (hg19) VCF-style: chr11-108186834-C-G.
Other names: c.6192C>G, p.Ile2064Met (NM_001351834.2); c.641-7036G>C (NM_001330368.2); c.*39-7036G>C (NM_001351110.2); short protein forms I2064M.
Identifiers: ClinVar variation 2700587 (VCV002700587.3), dbSNP rs876659831, ClinGen allele CA382550781.